The following is an entry in ClinVar:

ClinVar aggregate classification (germline): Uncertain significance (1 of 4 stars; one submission).

Conditions:
Mucolipidosis type II. Also called: ML II ALPHA/BETA; Mucolipidosis 2; ML 2; Inclusion cell disease; Leroy Disease; N-acetylglucosamine 1phosphotransferase deficiency. Identifiers: Orphanet 576, MedGen C2673377, MONDO:0009650, OMIM 252500.
Pseudo-Hurler polydystrophy. Also called: ML III; ML III ALPHA/BETA; Type III Mucolipidosis; ML IIIA; Mucolipidosis III Alpha/Beta; MUCOLIPIDOSIS IIIA. Identifiers: Orphanet 423461, Orphanet 577, MedGen C0033788, MONDO:0018931, OMIM 252600.

Allele frequency attached by ClinVar (database versions not stated): ExAC 0.00001.
gnomAD v4.1: 1 of 1,597,250 alleles (0.000063%); highest among the groups gnomAD compares: Non-Finnish European, 0.000086%; no homozygotes.

Submission:

Labcorp Genetics (formerly Invitae), Labcorp
Classification: Uncertain significance for Pseudo-Hurler polydystrophy; Mucolipidosis type II. Last evaluated: 2023-09-12. Review status: criteria provided, single submitter. Criteria: Invitae Variant Classification Sherloc (09022015). Collection method: clinical testing. Allele origin: germline.
Comment: Advanced modeling of protein sequence and biophysical properties (such as structural, functional, and spatial information, amino acid conservation, physicochemical variation, residue mobility, and thermodynamic stability) has been performed at Invitae for this missense variant, however the output from this modeling did not meet the statistical confidence thresholds required to predict the impact of this variant on GNPTAB protein function. This variant has not been reported in the literature in individuals affected with GNPTAB-related conditions. This variant is present in population databases (rs750794129, gnomAD 0.0009%). This sequence change replaces leucine, which is neutral and non-polar, with proline, which is neutral and non-polar, at codon 5 of the GNPTAB protein (p.Leu5Pro). In summary, the available evidence is currently insufficient to determine the role of this variant in disease. Therefore, it has been classified as a Variant of Uncertain Significance.

NM_024312.5(GNPTAB):c.14T>C (p.Leu5Pro)

Gene: GNPTAB (N-acetylglucosamine-1-phosphate transferase subunits alpha and beta; minus strand). Cytogenetic location: 12q23.2.
Variant type: single nucleotide variant.
Coding change: c.14T>C on transcript NM_024312.5 (MANE Select); coding-DNA position 14, T replaced by C.
Protein change: p.Leu5Pro; replaces leucine 5 with proline.
Molecular consequence: missense variant.
Genome position (GRCh38, 1-based): chr12:101,830,662, A>G on the plus strand (T>C on the coding strand, the complement: GNPTAB is on the minus strand). VCF-style: chr12-101830662-A-G. GRCh37 (hg19) VCF-style: chr12-102224440-A-G.
Other names: short protein forms L5P.
Identifiers: ClinVar variation 2947120 (VCV002947120.3), dbSNP rs750794129, ClinGen allele CA6747029.